The following is an entry in ClinVar:

NM_022482.5(GZF1):c.649C>A (p.Pro217Thr)

Gene: GZF1 (GDNF inducible zinc finger protein 1; plus strand). Cytogenetic location: 20p11.21.
Variant type: single nucleotide variant.
Coding change: c.649C>A on transcript NM_022482.5 (MANE Select); coding-DNA position 649, C replaced by A.
Protein change: p.Pro217Thr; replaces proline 217 with threonine.
Molecular consequence: missense variant.
Genome position (GRCh38, 1-based): chr20:23,365,032, C>A. VCF-style: chr20-23365032-C-A. GRCh37 (hg19) VCF-style: chr20-23345669-C-A.
Other names: c.649C>A, p.Pro217Thr (NM_001317012.2, NM_001317019.1); short protein forms P217T.
Identifiers: ClinVar variation 1375365 (VCV001375365.5), dbSNP rs541736431, ClinGen allele CA9788547.

ClinVar aggregate classification (germline): Uncertain significance. Review status: criteria provided, multiple submitters, no conflicts (2 of 4 stars). 2 submissions from 2 submitters: Uncertain significance (2). Last evaluated 2025-10-06.

Allele frequency attached by ClinVar (database versions not stated): gnomAD 0.00006 and 0.00007; TOPMed 0.00011; gnomAD exomes 0.00012; ExAC 0.00014.

Submissions (2):

Labcorp Genetics (formerly Invitae), Labcorp
Classification: Uncertain significance. Last evaluated: 2025-10-06. Review status: criteria provided, single submitter. Criteria: Invitae Variant Classification Sherloc (09022015). Collection method: clinical testing. Allele origin: germline.
Comment: This sequence change replaces proline with threonine at codon 217 of the GZF1 protein (p.Pro217Thr). The proline residue is weakly conserved and there is a small physicochemical difference between proline and threonine. This variant is present in population databases (rs541736431, gnomAD 0.07%). This variant has not been reported in the literature in individuals affected with GZF1-related conditions. ClinVar contains an entry for this variant (Variation ID: 1375365). An algorithm developed to predict the effect of missense changes on protein structure and function (PolyPhen-2) suggests that this variant is likely to be tolerated. In summary, the available evidence is currently insufficient to determine the role of this variant in disease. Therefore, it has been classified as a Variant of Uncertain Significance.

Breakthrough Genomics
Classification: Uncertain significance. Review status: criteria provided, single submitter. Criteria: ACMG Guidelines, 2015. Collection method: not provided. Allele origin: germline. Inheritance: Autosomal dominant inheritance. Affected: yes.